The following is an entry in ClinVar:

NC_012920.1:m.12177A>G

Gene: MT-TH (mitochondrially encoded tRNA histidine; plus strand).
Variant type: single nucleotide variant.
Genome position: chrM-12177-A-G.
Identifiers: ClinVar variation 618221 (VCV000618221.8), dbSNP rs1569484492, ClinGen allele CA913169592.
Genomic context (GRCh38, chrMT:12,177, plus strand): 5'-TCATTACCGGGTTTTCCTCTTGTAAATATAGTTTAACCAAAACATCAGATTGTGAATCTG[A>G]CAACAGAGGCTTACGACCCCTTATTTACCGAGAAAGCTCACAAGAACTGCTAACTCATGC-3'

ClinVar aggregate classification (germline): Uncertain significance (1 of 4 stars; one submission).

Submission:

ARUP Laboratories, Molecular Genetics and Genomics, ARUP Laboratories
Classification: Uncertain significance. Last evaluated: 2017-08-14. Review status: criteria provided, single submitter. Criteria: ARUP Molecular Germline Variant Investigation Process. Collection method: clinical testing. Allele origin: germline.
Comment: This variant affects the MT-TH gene, which encodes the mitochondrial tRNA for histidine, and has not been reported in the medical literature, is not listed in gene-specific variant databases, nor has it been previously identified in our laboratory. It is also absent from population databases such as MITOMAP. This variant disrupts a moderately conserved nucleotide, and Xenopus tropicalis has a guanine at this position suggesting this variant is evolutionary tolerated. However, based on the available information, the clinical significance of the m.12177A>G variant cannot be determined with certainty.